The following is an entry in ClinVar:

ClinVar aggregate classification (germline): Uncertain significance (1 of 4 stars; one submission).

Allele frequency attached by ClinVar (database versions not stated): gnomAD exomes 0.00001.
gnomAD v4.1: 4 of 1,551,350 alleles (0.00026%); highest among the groups gnomAD compares: Non-Finnish European, 0.00035%; no homozygotes.

Submission:

Ambry Genetics
Classification: Uncertain significance. Last evaluated: 2023-10-21. Review status: criteria provided, single submitter. Criteria: Ambry Variant Classification Scheme 2023. Collection method: clinical testing. Allele origin: germline.
Comment: The p.N5K variant (also known as c.15T>G), located in coding exon 1 of the MYLK2 gene, results from a T to G substitution at nucleotide position 15. The asparagine at codon 5 is replaced by lysine, an amino acid with similar properties. This amino acid position is conserved. In addition, this alteration is predicted to be tolerated by in silico analysis. Since supporting evidence is limited at this time, the clinical significance of this alteration remains unclear.

NM_033118.4(MYLK2):c.15T>G (p.Asn5Lys)

Gene: MYLK2 (myosin light chain kinase 2; plus strand). Cytogenetic location: 20q11.21.
Variant type: single nucleotide variant.
Coding change: c.15T>G on transcript NM_033118.4 (MANE Select); coding-DNA position 15, T replaced by G.
Protein change: p.Asn5Lys; replaces asparagine 5 with lysine.
Molecular consequence: missense variant.
Genome position (GRCh38, 1-based): chr20:31,819,595, T>G. VCF-style: chr20-31819595-T-G. GRCh37 (hg19) VCF-style: chr20-30407398-T-G.
Other names: short protein forms N5K.
Identifiers: ClinVar variation 3228197 (VCV003228197.1), dbSNP rs2062241231, ClinGen allele CA408524737.
Genomic context (GRCh38, chr20:31,819,595, plus strand): 5'-AGAAAGACTTGAGTTAGACAAGCAGCAGCACACGCCTCCCTACCTCATGGCGACAGAAAA[T>G]GGAGCAGTTGAGCTGGGAATTCAGAACCCATCAACAGGTGCCAAGCTGGGGCAGGAGATG-3'
Protein context (NP_149109.1, residues 1-15): MATE[Asn5Lys]GAVELGIQNP